The following is an entry in ClinVar:

ClinVar aggregate classification (germline): Benign. Review status: criteria provided, single submitter (1 of 4 stars). 2 submissions from 2 submitters: Benign (1). 1 of the submissions does not count toward it. Last evaluated 2025-10-28.

Conditions:
DRP2-related disorder. Also called: DRP2-related condition.

Allele frequency attached by ClinVar (database versions not stated): gnomAD 0.00018 and 0.00033; gnomAD exomes 0.00028 and 0.00088; TOPMed 0.00039; ExAC 0.00084; 1000 Genomes Project 30x 0.00312; 1000 Genomes Project 0.00318.
gnomAD v4.1: 351 of 1,208,325 alleles (0.029%); highest among the groups gnomAD compares: East Asian, 0.92%; no homozygotes.

Submissions (3):

Labcorp Genetics (formerly Invitae), Labcorp
Classification: Benign. Last evaluated: 2025-10-28. Review status: criteria provided, single submitter. Criteria: Invitae Variant Classification Sherloc (09022015). Collection method: clinical testing. Allele origin: germline.

PreventionGenetics, part of Exact Sciences
Classification: Benign for DRP2-related condition. Last evaluated: 2019-06-18. Review status: no assertion criteria provided. Collection method: clinical testing. Allele origin: germline. Not counted in ClinVar's aggregate classification.
Comment: This variant is classified as benign based on ACMG/AMP sequence variant interpretation guidelines (Richards et al. 2015 PMID: 25741868, with internal and published modifications).

Dr. Peter K. Rogan Lab, Western University
No classification provided (evidence only). Condition: Cervical cancer. Review status: no classification provided. Collection method: in vitro. Allele origin: not applicable. Functional consequence: retained intron. Not counted in ClinVar's aggregate classification.

NM_001939.3(DRP2):c.981A>G (p.Ser327=)

Gene: DRP2 (dystrophin related protein 2; plus strand). Cytogenetic location: Xq22.1.
Variant type: single nucleotide variant.
Coding change: c.981A>G on transcript NM_001939.3 (MANE Select); coding-DNA position 981, A replaced by G.
Protein change: p.Ser327=; no amino-acid change (serine 327 retained).
Molecular consequence: synonymous variant.
Genome position (GRCh38, 1-based): chrX:101,242,909, A>G. VCF-style: chrX-101242909-A-G. GRCh37 (hg19) VCF-style: chrX-100497898-A-G.
Other names: c.981A>G (NM_001939.2); c.747A>G, p.Ser249= (NM_001171184.2).
Identifiers: ClinVar variation 1624598 (VCV001624598.11), dbSNP rs78348084, ClinGen allele CA10472165.